The following is an entry in ClinVar:

ClinVar aggregate classification (germline): Conflicting classifications of pathogenicity. Review status: criteria provided, conflicting classifications (1 of 4 stars). 2 submissions from 2 submitters: Uncertain significance (1); Likely benign (1). Last evaluated 2024-07-16.

Conditions:
Inborn genetic diseases. Identifiers: MedGen C0950123, MeSH D030342.

Allele frequency attached by ClinVar (database versions not stated): gnomAD exomes below 0.00001; TOPMed below 0.00001; ExAC 0.00001; gnomAD 0.00002; ESP Exome Variant Server 0.00008.
gnomAD v4.1: 4 of 1,613,998 alleles (0.00025%); highest among the groups gnomAD compares: African/African-American, 0.0053%; no homozygotes.

Submissions (2):

Labcorp Genetics (formerly Invitae), Labcorp
Classification: Likely benign. Last evaluated: 2024-07-16. Review status: criteria provided, single submitter. Criteria: Invitae Variant Classification Sherloc (09022015). Collection method: clinical testing. Allele origin: germline.

Ambry Genetics
Classification: Uncertain significance for Inborn genetic diseases. Last evaluated: 2017-05-25. Review status: criteria provided, single submitter. Criteria: Ambry Variant Classification Scheme 2023. Collection method: clinical testing. Allele origin: germline.
Comment: The p.Y613H variant (also known as c.1837T>C), located in coding exon 4 of the ARID1B gene, results from a T to C substitution at nucleotide position 1837. The tyrosine at codon 613 is replaced by histidine, an amino acid with some similar properties. This amino acid position is highly conserved in available vertebrate species. In addition, the in silico prediction for this alteration is inconclusive. Since supporting evidence is limited at this time, the clinical significance of this alteration remains unclear.

NM_001374828.1(ARID1B):c.2047T>C (p.Tyr683His)

Gene: ARID1B (AT-rich interaction domain 1B; plus strand). Cytogenetic location: 6q25.3.
Variant type: single nucleotide variant.
Coding change: c.2047T>C on transcript NM_001374828.1 (MANE Select); coding-DNA position 2047, T replaced by C.
Protein change: p.Tyr683His; replaces tyrosine 683 with histidine.
Molecular consequence: missense variant.
Genome position (GRCh38, 1-based): chr6:156,901,436, T>C. VCF-style: chr6-156901436-T-C. GRCh37 (hg19) VCF-style: chr6-157222570-T-C.
Other names: c.2086T>C, p.Tyr696His (NM_001371656.1, NM_001374820.1); c.2047T>C, p.Tyr683His (NM_017519.3); c.1837T>C, p.Tyr613His (NM_020732.3); short protein forms Y613H, Y683H, Y696H.
Identifiers: ClinVar variation 589657 (VCV000589657.7), dbSNP rs141395733, ClinGen allele CA4066913.